The following is an entry in ClinVar:

ClinVar aggregate classification (germline): Uncertain significance. Review status: criteria provided, multiple submitters, no conflicts (2 of 4 stars). 2 submissions from 2 submitters: Uncertain significance (2). Last evaluated 2026-08-21.

Conditions:
Hereditary cancer-predisposing syndrome. Also called: Hereditary Cancer Syndrome; Tumor predisposition; Neoplastic Syndromes, Hereditary; Hereditary neoplastic syndrome. Identifiers: Orphanet 140162, MedGen C0027672, MeSH D009386, MONDO:0015356.
Multiple endocrine neoplasia, type 1 (MEN1). Also called: MEN I; WERMER SYNDROME; Endocrine adenomatosis multiple; MEN 1; MEA I. Identifiers: Orphanet 652, MedGen C0025267, MeSH D018761, MONDO:0007540, OMIM 131100.

Submissions (2):

Ambry Genetics
Classification: Uncertain significance for Hereditary cancer-predisposing syndrome. Last evaluated: 2026-08-21. Review status: criteria provided, single submitter. Criteria: Ambry Variant Classification Scheme 2023. Collection method: clinical testing. Allele origin: germline.
Comment: The p.T193K variant (also known as c.578C>A), located in coding exon 2 of the MEN1 gene, results from a C to A substitution at nucleotide position 578. The threonine at codon 193 is replaced by lysine, an amino acid with similar properties. This amino acid position is highly conserved in available vertebrate species. In addition, this alteration is predicted to be deleterious by in silico analysis. Based on the available evidence, the clinical significance of this variant remains unclear.

Labcorp Genetics (formerly Invitae), Labcorp
Classification: Uncertain significance for Multiple endocrine neoplasia, type 1. Last evaluated: 2025-12-08. Review status: criteria provided, single submitter. Criteria: Invitae Variant Classification Sherloc (09022015). Collection method: clinical testing. Allele origin: germline.
Comment: This sequence change replaces threonine, which is neutral and polar, with lysine, which is basic and polar, at codon 193 of the MEN1 protein (p.Thr193Lys). This variant is not present in population databases (gnomAD no frequency). This variant has not been reported in the literature in individuals affected with MEN1-related conditions. ClinVar contains an entry for this variant (Variation ID: 1466144). Invitae Evidence Modeling of protein sequence and biophysical properties (such as structural, functional, and spatial information, amino acid conservation, physicochemical variation, residue mobility, and thermodynamic stability) indicates that this missense variant is expected to disrupt MEN1 protein function with a positive predictive value of 95%. In summary, the available evidence is currently insufficient to determine the role of this variant in disease. Therefore, it has been classified as a Variant of Uncertain Significance.

NM_001370259.2(MEN1):c.578C>A (p.Thr193Lys)

Gene: MEN1 (menin 1; minus strand). Cytogenetic location: 11q13.1.
Variant type: single nucleotide variant.
Coding change: c.578C>A on transcript NM_001370259.2 (MANE Select); coding-DNA position 578, C replaced by A.
Protein change: p.Thr193Lys; replaces threonine 193 with lysine.
Molecular consequence: missense variant. On other transcripts: intron variant (2).
Genome position (GRCh38, 1-based): chr11:64,807,967, G>T on the plus strand (C>A on the coding strand, the complement: MEN1 is on the minus strand). VCF-style: chr11-64807967-G-T. GRCh37 (hg19) VCF-style: chr11-64575439-G-T.
Other names: c.593C>A, p.Thr198Lys (NM_000244.4, NM_130800.3, NM_130801.3 and 3 more transcripts); c.578C>A, p.Thr193Lys (NM_001370251.2, NM_001370260.2, NM_001370261.2 and 1 more transcripts); c.549+29C>A (NM_001370263.2, NM_001370262.2); c.578C>A (NM_130799.2); short protein forms T193K, T198K.
Identifiers: ClinVar variation 1466144 (VCV001466144.7), dbSNP rs1592650971, ClinGen allele CA381185628.
Genomic context (GRCh38, chr11:64,807,967, plus strand): 5'-GCATTGACTGTCTGGCCCCTGCGGTCCTCGTTGCCCTTGCCGTGCCAGGTGACCTCAGCT[G>T]TCTGCTCCCCATTGGGCCCAAACACTACCCAGGCATGATCCTCAGACAGGGCGAGGTGGA-3'
Protein context (NP_001357188.2, residues 183-203): WVVFGPNGEQ[Thr193Lys]AEVTWHGKGN